The following is an entry in ClinVar:

ClinVar aggregate classification (germline): Uncertain significance (1 of 4 stars; one submission).

Conditions:
Amyotrophic lateral sclerosis type 1 (ALS1). Also called: AMYOTROPHIC LATERAL SCLEROSIS 1, FAMILIAL. Identifiers: Orphanet 803, MedGen C1862939, MONDO:0007103, OMIM 105400.
Neuronopathy, distal hereditary motor, type 7B. Also called: NEURONOPATHY, DISTAL HEREDITARY MOTOR, AUTOSOMAL DOMINANT 14; NEURONOPATHY, DISTAL HEREDITARY MOTOR, HARDING TYPE VIIB; NEUROPATHY, DISTAL HEREDITARY MOTOR, HARDING TYPE VIIB; NEUROPATHY, DISTAL HEREDITARY MOTOR, WITH VOCAL CORD PARALYSIS, HARDING TYPE VIIB; HMN VIIB; LOWER MOTOR NEURON DISEASE, DYNACTIN TYPE. Identifiers: Orphanet 139589, MedGen C1843315, MONDO:0011879, OMIM 607641.
Perry syndrome. Also called: PARKINSONISM WITH ALVEOLAR HYPOVENTILATION AND MENTAL DEPRESSION. Identifiers: Orphanet 178509, MedGen C1868594, MONDO:0008201, OMIM 168605.

Submission:

Labcorp Genetics (formerly Invitae), Labcorp
Classification: Uncertain significance for Amyotrophic lateral sclerosis type 1; Neuronopathy, distal hereditary motor, type 7B; Perry syndrome. Last evaluated: 2025-01-22. Review status: criteria provided, single submitter. Criteria: Invitae Variant Classification Sherloc (09022015). Collection method: clinical testing. Allele origin: germline.
Comment: This sequence change replaces threonine, which is neutral and polar, with asparagine, which is neutral and polar, at codon 880 of the DCTN1 protein (p.Thr880Asn). This variant is not present in population databases (gnomAD no frequency). This variant has not been reported in the literature in individuals affected with DCTN1-related conditions. Invitae Evidence Modeling of protein sequence and biophysical properties (such as structural, functional, and spatial information, amino acid conservation, physicochemical variation, residue mobility, and thermodynamic stability) indicates that this missense variant is not expected to disrupt DCTN1 protein function with a negative predictive value of 95%. In summary, the available evidence is currently insufficient to determine the role of this variant in disease. Therefore, it has been classified as a Variant of Uncertain Significance.

NM_004082.5(DCTN1):c.2639C>A (p.Thr880Asn)

Gene: DCTN1 (dynactin subunit 1; minus strand). Cytogenetic location: 2p13.1.
Variant type: single nucleotide variant.
Coding change: c.2639C>A on transcript NM_004082.5 (MANE Select); coding-DNA position 2639, C replaced by A.
Protein change: p.Thr880Asn; replaces threonine 880 with asparagine.
Molecular consequence: missense variant. On other transcripts: non-coding transcript variant (1).
Genome position (GRCh38, 1-based): chr2:74,366,365, G>T on the plus strand (C>A on the coding strand, the complement: DCTN1 is on the minus strand). VCF-style: chr2-74366365-G-T. GRCh37 (hg19) VCF-style: chr2-74593492-G-T.
Other names: c.2579C>A, p.Thr860Asn (NM_001135040.3); c.2237C>A, p.Thr746Asn (NM_001135041.3, NM_023019.4); c.2528C>A, p.Thr843Asn (NM_001190836.2); c.2618C>A, p.Thr873Asn (NM_001190837.2); c.2588C>A, p.Thr863Asn (NM_001378991.1); c.2570C>A, p.Thr857Asn (NM_001378992.1); short protein forms T746N, T843N, T857N, T860N, T863N, T873N, T880N.
Identifiers: ClinVar variation 3749718 (VCV003749718.2).
Genomic context (GRCh38, chr2:74,366,365, plus strand): 5'-ATGGTACTGATGAGGATGTTGCATGACTGGCGCAGACACTCATAGGGGCTGCTGGAGGGG[G>T]TCCCATAGATCTGCAGGAGCCAAGGGCAGAAGTAAAAGCCCCACACTGGTCACTAACTCT-3'
Protein context (NP_004073.2, residues 870-890): AFKASEQIYG[Thr880Asn]PSSSPYECLR